The following is an entry in ClinVar:

NM_032199.3(ARID5B):c.422A>C (p.Glu141Ala)

Gene: ARID5B (AT-rich interaction domain 5B; plus strand). Cytogenetic location: 10q21.2.
Variant type: single nucleotide variant.
Coding change: c.422A>C on transcript NM_032199.3 (MANE Select); coding-DNA position 422, A replaced by C.
Protein change: p.Glu141Ala; replaces glutamic acid 141 with alanine.
Molecular consequence: missense variant.
Genome position (GRCh38, 1-based): chr10:61,940,328, A>C. VCF-style: chr10-61940328-A-C. GRCh37 (hg19) VCF-style: chr10-63700087-A-C.
Other names: short protein forms E141A.
Identifiers: ClinVar variation 4980208 (VCV004980208.1).

ClinVar aggregate classification (germline): Likely benign (1 of 4 stars; one submission).

Conditions:
ARID5B-related disorder. Also called: ARID5B-related condition.

gnomAD v4.1: 2,201 of 1,614,174 alleles (0.14%); highest among the groups gnomAD compares: Middle Eastern, 0.36%; 4 homozygotes.

Submission:

PreventionGenetics, part of Exact Sciences
Classification: Likely benign for ARID5B-related condition. Last evaluated: 2026-01-26. Review status: criteria provided, single submitter. Criteria: ACMG Guidelines, 2015. Collection method: clinical testing. Allele origin: germline.
Comment: This variant is classified as likely benign based on ACMG/AMP sequence variant interpretation guidelines (Richards et al. 2015 PMID: 25741868, with internal and published modifications).